The following is an entry in ClinVar:

ClinVar aggregate classification (germline): Uncertain significance (1 of 4 stars; one submission).

Submission:

Ambry Genetics
Classification: Uncertain significance. Last evaluated: 2022-11-03. Review status: criteria provided, single submitter. Criteria: Ambry Variant Classification Scheme 2023. Collection method: clinical testing. Allele origin: germline.
Comment: The p.L31P variant (also known as c.92T>C), located in coding exon 1 of the ALPK2 gene, results from a T to C substitution at nucleotide position 92. The leucine at codon 31 is replaced by proline, an amino acid with similar properties. This amino acid position is conserved. In addition, this alteration is predicted to be deleterious by in silico analysis. Since supporting evidence is limited at this time, the clinical significance of this alteration remains unclear.

NM_052947.4(ALPK2):c.92T>C (p.Leu31Pro)

Gene: ALPK2 (alpha kinase 2; minus strand). Cytogenetic location: 18q21.32.
Variant type: single nucleotide variant.
Coding change: c.92T>C on transcript NM_052947.4 (MANE Select); coding-DNA position 92, T replaced by C.
Protein change: p.Leu31Pro; replaces leucine 31 with proline.
Molecular consequence: missense variant.
Genome position (GRCh38, 1-based): chr18:58,611,706, A>G on the plus strand (T>C on the coding strand, the complement: ALPK2 is on the minus strand). VCF-style: chr18-58611706-A-G. GRCh37 (hg19) VCF-style: chr18-56278938-A-G.
Other names: short protein forms L31P.
Identifiers: ClinVar variation 2450913 (VCV002450913.2), dbSNP rs2518915263, ClinGen allele CA402557875.
Genomic context (GRCh38, chr18:58,611,706, plus strand): 5'-AGGGAGATTTTAGAGGGTGATTAGCTAGTCTAGTGATGGTTACCAGATATTATGCAGCGA[A>G]GCACAGCGTCTGACTTCTCAGGAACCTTCTGGGAAAGCAATGTAGATAAAAAACACAGCG-3'
Protein context (NP_443179.3, residues 21-41): QKVPEKSDAV[Leu31Pro]RCIISGQPKP